The following is an entry in ClinVar:

NM_003579.4(RAD54L):c.2168C>T (p.Ala723Val)

Genes: LRRC41 (leucine rich repeat containing 41; minus strand), RAD54L (RAD54 like; plus strand). Cytogenetic location: 1p34.1.
Variant type: single nucleotide variant.
Coding change: c.2168C>T on transcript NM_003579.4 (MANE Select); coding-DNA position 2168, C replaced by T.
Protein change: p.Ala723Val; replaces alanine 723 with valine.
Molecular consequence: missense variant. On other transcripts: 3 prime UTR variant (1).
Genome position (GRCh38, 1-based): chr1:46,278,206, C>T. VCF-style: chr1-46278206-C-T. GRCh37 (hg19) VCF-style: chr1-46743878-C-T.
Other names: c.*659G>A (NM_006369.5); c.2168C>T, p.Ala723Val (NM_001142548.2); c.1628C>T, p.Ala543Val (NM_001370766.1); short protein forms A543V, A723V.
Identifiers: ClinVar variation 3223430 (VCV003223430.1), dbSNP rs2148309139, ClinGen allele CA340191379.

ClinVar aggregate classification (germline): Uncertain significance (1 of 4 stars; one submission).

Allele frequency attached by ClinVar (database versions not stated): gnomAD exomes below 0.00001.
gnomAD v4.1: 1 of 1,613,968 alleles (0.000062%); highest among the groups gnomAD compares: Non-Finnish European, 0.000085%; no homozygotes.

Submission:

Ambry Genetics
Classification: Uncertain significance. Last evaluated: 2023-12-20. Review status: criteria provided, single submitter. Criteria: Ambry Variant Classification Scheme 2023. Collection method: clinical testing. Allele origin: germline.
Comment: The p.A723V variant (also known as c.2168C>T), located in coding exon 18 of the RAD54L gene, results from a C to T substitution at nucleotide position 2168. The alanine at codon 723 is replaced by valine, an amino acid with similar properties. This amino acid position is conserved. In addition, this alteration is predicted to be tolerated by in silico analysis. Since supporting evidence is limited at this time, the clinical significance of this alteration remains unclear.